The following is an entry in ClinVar:

NM_000038.6(APC):c.136-2A>T

Gene: APC (APC regulator of Wnt signaling pathway; plus strand). Cytogenetic location: 5q22.2.
Variant type: single nucleotide variant.
Coding change: c.136-2A>T on transcript NM_000038.6 (MANE Select); the canonical splice acceptor site of the intron before coding-DNA position 136, A replaced by T.
Molecular consequence: splice acceptor variant.
Genome position (GRCh38, 1-based): chr5:112,766,324, A>T. VCF-style: chr5-112766324-A-T. GRCh37 (hg19) VCF-style: chr5-112102021-A-T.
Other names: c.-900-2A>T (NM_001407470.1, NM_001407472.1, NM_001354906.2 and 1 more transcripts); c.136-2A>T (NM_001407447.1, NM_001354895.2, NM_001407456.1 and 16 more transcripts); c.166-2A>T (NM_001407446.1, NM_001354897.2, NM_001354902.2 and 1 more transcripts); c.-42-2A>T (NM_001407453.1, NM_001354900.2, NM_001354901.2 and 1 more transcripts); c.61-2A>T (NM_001407451.1, NM_001354898.2, NM_001354904.2).
Identifiers: ClinVar variation 2017446 (VCV002017446.4), dbSNP rs886039625, ClinGen allele CA360617461.

ClinVar aggregate classification (germline): Pathogenic (1 of 4 stars; one submission).

Conditions:
Familial adenomatous polyposis 1 (FAP1). Also called: FAMILIAL ADENOMATOUS POLYPOSIS 1, ATTENUATED; POLYPOSIS, ADENOMATOUS INTESTINAL. Identifiers: MedGen C2713442, MONDO:0021056, OMIM 175100. Disease mechanism: loss of function.

Submission:

Labcorp Genetics (formerly Invitae), Labcorp
Classification: Pathogenic for Familial adenomatous polyposis 1. Last evaluated: 2025-01-15. Review status: criteria provided, single submitter. Criteria: Invitae Variant Classification Sherloc (09022015). Collection method: clinical testing. Allele origin: germline.
Comment: This sequence change affects an acceptor splice site in intron 2 of the APC gene. RNA analysis indicates that disruption of this splice site induces altered splicing and may result in an absent or altered protein product. This variant is not present in population databases (gnomAD no frequency). This variant has not been reported in the literature in individuals affected with APC-related conditions. ClinVar contains an entry for this variant (Variation ID: 2017446). Studies have shown that disruption of this splice site results in skipping of exon 3, and produces a non-functional protein and/or introduces a premature termination codon (internal data). For these reasons, this variant has been classified as Pathogenic.